The following is an entry in ClinVar:

ClinVar aggregate classification (germline): Uncertain significance (1 of 4 stars; one submission).

gnomAD v4.1: 3 of 1,612,374 alleles (0.00019%); highest among the groups gnomAD compares: Admixed American, 0.0017%; no homozygotes.

Submission:

Labcorp Genetics (formerly Invitae), Labcorp
Classification: Uncertain significance. Last evaluated: 2025-12-16. Review status: criteria provided, single submitter. Criteria: Invitae Variant Classification Sherloc (09022015). Collection method: clinical testing. Allele origin: germline.
Comment: This sequence change replaces leucine, which is neutral and non-polar, with isoleucine, which is neutral and non-polar, at codon 181 of the TMEM106B protein (p.Leu181Ile). This variant is not present in population databases (gnomAD no frequency). This variant has not been reported in the literature in individuals affected with TMEM106B-related conditions. Invitae Evidence Modeling of protein sequence and biophysical properties (such as structural, functional, and spatial information, amino acid conservation, physicochemical variation, residue mobility, and thermodynamic stability) indicates that this missense variant is not expected to disrupt TMEM106B protein function with a negative predictive value of 80%. In summary, the available evidence is currently insufficient to determine the role of this variant in disease. Therefore, it has been classified as a Variant of Uncertain Significance.

NM_001134232.2(TMEM106B):c.541T>A (p.Leu181Ile)

Gene: TMEM106B (transmembrane protein 106B; plus strand). Cytogenetic location: 7p21.3.
Variant type: single nucleotide variant.
Coding change: c.541T>A on transcript NM_001134232.2 (MANE Select); coding-DNA position 541, T replaced by A.
Protein change: p.Leu181Ile; replaces leucine 181 with isoleucine.
Molecular consequence: missense variant.
Genome position (GRCh38, 1-based): chr7:12,229,778, T>A. VCF-style: chr7-12229778-T-A. GRCh37 (hg19) VCF-style: chr7-12269404-T-A.
Other names: c.541T>A, p.Leu181Ile (NM_018374.4); short protein forms L181I.
Identifiers: ClinVar variation 4782167 (VCV004782167.1).